The following is an entry in ClinVar:

NM_152866.3(MS4A1):c.662C>A (p.Ser221Tyr)

Gene: MS4A1 (membrane spanning 4-domains A1; plus strand). Cytogenetic location: 11q12.2.
Variant type: single nucleotide variant.
Coding change: c.662C>A on transcript NM_152866.3 (MANE Select); coding-DNA position 662, C replaced by A.
Protein change: p.Ser221Tyr; replaces serine 221 with tyrosine.
Molecular consequence: missense variant.
Genome position (GRCh38, 1-based): chr11:60,467,047, C>A. VCF-style: chr11-60467047-C-A. GRCh37 (hg19) VCF-style: chr11-60234520-C-A.
Other names: c.662C>A, p.Ser221Tyr (NM_021950.4, NM_152867.2); short protein forms S221Y.
Identifiers: ClinVar variation 1353345 (VCV001353345.6), dbSNP rs1193342361, ClinGen allele CA380600493.

ClinVar aggregate classification (germline): Uncertain significance (1 of 4 stars; one submission).

gnomAD v4.1: 1 of 1,614,024 alleles (0.000062%); highest among the groups gnomAD compares: Non-Finnish European, 0.000085%; no homozygotes.

Submission:

Labcorp Genetics (formerly Invitae), Labcorp
Classification: Uncertain significance. Last evaluated: 2024-11-29. Review status: criteria provided, single submitter. Criteria: Invitae Variant Classification Sherloc (09022015). Collection method: clinical testing. Allele origin: germline.
Comment: This sequence change replaces serine, which is neutral and polar, with tyrosine, which is neutral and polar, at codon 221 of the MS4A1 protein (p.Ser221Tyr). This variant is not present in population databases (gnomAD no frequency). This variant has not been reported in the literature in individuals affected with MS4A1-related conditions. ClinVar contains an entry for this variant (Variation ID: 1353345). An algorithm developed to predict the effect of missense changes on protein structure and function (PolyPhen-2) suggests that this variant is likely to be disruptive. In summary, the available evidence is currently insufficient to determine the role of this variant in disease. Therefore, it has been classified as a Variant of Uncertain Significance.